The following is an entry in ClinVar:

NM_000090.4(COL3A1):c.401C>T (p.Ser134Phe)

Gene: COL3A1 (collagen type III alpha 1 chain; plus strand). Cytogenetic location: 2q32.2.
Variant type: single nucleotide variant.
Coding change: c.401C>T on transcript NM_000090.4 (MANE Select); coding-DNA position 401, C replaced by T.
Protein change: p.Ser134Phe; replaces serine 134 with phenylalanine.
Molecular consequence: missense variant.
Genome position (GRCh38, 1-based): chr2:188,985,732, C>T. VCF-style: chr2-188985732-C-T. GRCh37 (hg19) VCF-style: chr2-189850458-C-T.
Other names: short protein forms S134F.
Identifiers: ClinVar variation 2892478 (VCV002892478.3), dbSNP rs2469108401, ClinGen allele CA349847900.

ClinVar aggregate classification (germline): Uncertain significance (1 of 4 stars; one submission).

Conditions:
Ehlers-Danlos syndrome, type 4 (EDSVASC). Also called: Ehlers-Danlos syndrome vascular type; Ehlers Danlos syndrome, ecchymotic type; Ehlers Danlos syndrome, arterial type; Ehlers Danlos syndrome, Sack-Barabas type; Ehlers-Danlos Syndrome Type IV. Identifiers: Orphanet 286, MedGen C0268338, MONDO:0017314, OMIM 130050.

Submission:

Labcorp Genetics (formerly Invitae), Labcorp
Classification: Uncertain significance for Ehlers-Danlos syndrome, type 4. Last evaluated: 2024-11-10. Review status: criteria provided, single submitter. Criteria: Invitae Variant Classification Sherloc (09022015). Collection method: clinical testing. Allele origin: germline.
Comment: This sequence change replaces serine, which is neutral and polar, with phenylalanine, which is neutral and non-polar, at codon 134 of the COL3A1 protein (p.Ser134Phe). This variant is not present in population databases (gnomAD no frequency). This variant has not been reported in the literature in individuals affected with COL3A1-related conditions. ClinVar contains an entry for this variant (Variation ID: 2892478). Invitae Evidence Modeling of protein sequence and biophysical properties (such as structural, functional, and spatial information, amino acid conservation, physicochemical variation, residue mobility, and thermodynamic stability) indicates that this missense variant is not expected to disrupt COL3A1 protein function with a negative predictive value of 95%. In summary, the available evidence is currently insufficient to determine the role of this variant in disease. Therefore, it has been classified as a Variant of Uncertain Significance.